The following is an entry in ClinVar:

ClinVar aggregate classification (germline): Uncertain significance. Review status: criteria provided, multiple submitters, no conflicts (2 of 4 stars). 2 submissions from 2 submitters: Uncertain significance (2). Last evaluated 2025-06-11.

Conditions:
Familial adenomatous polyposis 1 (FAP1). Also called: FAMILIAL ADENOMATOUS POLYPOSIS 1, ATTENUATED; POLYPOSIS, ADENOMATOUS INTESTINAL. Identifiers: MedGen C2713442, MONDO:0021056, OMIM 175100. Disease mechanism: loss of function.

Submissions (2):

Labcorp Genetics (formerly Invitae), Labcorp
Classification: Uncertain significance for Familial adenomatous polyposis 1. Last evaluated: 2025-06-11. Review status: criteria provided, single submitter. Criteria: Invitae Variant Classification Sherloc (09022015). Collection method: clinical testing. Allele origin: germline.
Comment: This variant occurs in a non-coding region of the APC gene. It does not change the encoded amino acid sequence of the APC protein. This variant is not present in population databases (gnomAD no frequency). This variant has not been reported in the literature in individuals affected with APC-related conditions. In summary, the available evidence is currently insufficient to determine the role of this variant in disease. Therefore, it has been classified as a Variant of Uncertain Significance.

GeneDx
Classification: Uncertain significance. Last evaluated: 2024-09-27. Review status: criteria provided, single submitter. Criteria: GeneDx Variant Classification Process June 2021. Collection method: clinical testing. Allele origin: germline. Affected: yes.
Comment: Has not been previously published as pathogenic or benign to our knowledge; No data available from control populations to assess the frequency of this variant; Also known as c.-47300_-47299dup

NM_001127511.3(APC):c.-127_-126dup

Gene: APC (APC regulator of Wnt signaling pathway; plus strand). Cytogenetic location: 5q22.2.
Variant type: Duplication.
Coding change: c.-127_-126dup on transcript NM_001127511.3; 127 bases upstream of the start codon through 126 bases upstream of the start codon, 2 bases duplicated (GG; older notation c.-127_-126dupGG).
Molecular consequence: 5 prime UTR variant. On other transcripts: non-coding transcript variant (2).
Genome position (GRCh38, 1-based): chr5:112,707,591-112,707,592, GG duplicated; duplicating any 2 consecutive bases within chr5:112,707,586-112,707,592 gives the same sequence; the c. name uses the placement nearest the transcript's 3' end. VCF-style (leftmost placement, unchanged base first): chr5-112707585-C-CGG. GRCh37 (hg19) VCF-style: chr5-112043282-C-CGG.
Other names: c.-310_-309dup (NM_001354895.2, NM_001407447.1, NM_001407452.1 and 3 more transcripts); c.-127_-126dup (NM_001354897.2, NM_001354902.2, NM_001407446.1); c.-77_-76dup (NM_001407448.1, NM_001407450.1, NM_001407457.1 and 1 more transcripts); c.-101_-100dup (NM_001407453.1); c.-1345_-1344dup (NM_001407470.1, NM_001407472.1).
Identifiers: ClinVar variation 1388272 (VCV001388272.8), dbSNP rs565045828, ClinGen allele CA802057125.
Genomic context (GRCh38, chr5:112,707,585, plus strand): 5'-GATGGCGGAGGGCAAGTAGCAAGGGGGCGGGGTGTGGCCGCCGGAAGCCTAGCCGCTGCT[C>CGG]GGGGGGGACCTGCGGGCTCAGGCCCGGGAGCTGCGGACCGAGGTTGGCTCGATGCTGTTC-3'